The following is an entry in ClinVar:

ClinVar aggregate classification (germline): Pathogenic (1 of 4 stars; one submission).

Conditions:
Inborn genetic diseases. Identifiers: MedGen C0950123, MeSH D030342.

Submission:

Ambry Genetics
Classification: Pathogenic for Inborn genetic diseases. Last evaluated: 2026-08-06. Review status: criteria provided, single submitter. Criteria: Ambry Variant Classification Scheme 2023. Collection method: clinical testing. Allele origin: germline.
Comment: The c.4165delC (p.L1389Sfs*36) alteration, located in exon 14 (coding exon 13) of the SETD1A gene, consists of a deletion of one nucleotide at position 4165, causing a translational frameshift with a predicted alternate stop codon after 36 amino acids. This variant is expected to result in loss of function by premature protein truncation or nonsense-mediated mRNA decay. This variant was not reported in population-based cohorts in the Genome Aggregation Database (gnomAD). Based on the available evidence, this alteration is classified as pathogenic.

NM_014712.3(SETD1A):c.4165del (p.Leu1389fs)

Gene: SETD1A (SET domain containing 1A, histone lysine methyltransferase; plus strand). Cytogenetic location: 16p11.2.
Variant type: Deletion.
Coding change: c.4165del on transcript NM_014712.3 (MANE Select); coding-DNA position 4165, one base deleted (C; older notation c.4165delC).
Protein change: p.Leu1389fs; shifts the reading frame from leucine 1389.
Molecular consequence: frameshift variant.
Genome position (GRCh38, 1-based): chr16:30,979,951, C deleted; the last of 3 consecutive C bases (chr16:30,979,949-30,979,951); deleting any one gives the same sequence. VCF-style (leftmost placement, unchanged base first): chr16-30979948-GC-G. GRCh37 (hg19) VCF-style: chr16-30991269-GC-G.
Other names: short protein forms L1389fs.
Identifiers: ClinVar variation 5029416 (VCV005029416.1).